The following is an entry in ClinVar:

ClinVar aggregate classification (germline): Pathogenic (1 of 4 stars; one submission).

Submission:

Labcorp Genetics (formerly Invitae), Labcorp
Classification: Pathogenic. Last evaluated: 2022-08-09. Review status: criteria provided, single submitter. Criteria: Invitae Variant Classification Sherloc (09022015). Collection method: clinical testing. Allele origin: germline.
Comment: This sequence change creates a premature translational stop signal (p.Ser296Argfs*9) in the CDC45 gene. It is expected to result in an absent or disrupted protein product. Loss-of-function variants in CDC45 are known to be pathogenic (PMID: 27374770, 30986546). This variant is present in population databases (rs763515165, gnomAD 0.0009%). This variant has not been reported in the literature in individuals affected with CDC45-related conditions. ClinVar contains an entry for this variant (Variation ID: 1373744). For these reasons, this variant has been classified as Pathogenic.

Literature cited by the submitters: PubMed 27374770; PubMed 30986546.

NM_003504.5(CDC45):c.790_791del (p.Ser264fs)

Gene: CDC45 (cell division cycle 45; plus strand). Cytogenetic location: 22q11.21.
Variant type: Microsatellite.
Coding change: c.790_791del on transcript NM_003504.5 (MANE Select); coding-DNA positions 790 to 791, 2 bases deleted (TC; older notation c.790_791delTC).
Protein change: p.Ser264fs; shifts the reading frame from serine 264.
Molecular consequence: frameshift variant. On other transcripts: non-coding transcript variant (1).
Genome position (GRCh38, 1-based): chr22:19,505,447-19,505,448, TC deleted; deleting any 2 consecutive bases within chr22:19,505,444-19,505,448 gives the same sequence; the c. name uses the placement nearest the transcript's 3' end. VCF-style (leftmost placement, unchanged base first): chr22-19505443-ACT-A. GRCh37 (hg19) VCF-style: chr22-19492966-ACT-A.
Other names: c.886_887del, p.Ser296fs (NM_001178010.2); c.652_653del, p.Ser218fs (NM_001178011.2); c.754_755del, p.Ser252fs (NM_001369291.1); short protein forms S252fs, S296fs, S218fs, S264fs.
Identifiers: ClinVar variation 1373744 (VCV001373744.6), dbSNP rs763515165, ClinGen allele CA10101227.
Genomic context (GRCh38, chr22:19,505,443, plus strand): 5'-TGGTGTCCTGCAGCGCCACGTTTCCCGCCACAACCACCGGAACGAGGATGAGGAGAACAC[ACT>A]CTCCGTGGACTGCACACGGATCTCCTTTGAGTATGAGTATCCTTGTGGCCCAGCCTGAGG-3'